The following is an entry in ClinVar:

ClinVar aggregate classification (germline): Uncertain significance. Review status: criteria provided, multiple submitters, no conflicts (2 of 4 stars). 2 submissions from 2 submitters: Uncertain significance (2). Last evaluated 2024-05-17.

Conditions:
Inborn genetic diseases. Identifiers: MedGen C0950123, MeSH D030342.

Submissions (2):

GeneDx
Classification: Uncertain significance. Last evaluated: 2024-05-17. Review status: criteria provided, single submitter. Criteria: GeneDx Variant Classification Process June 2021. Collection method: clinical testing. Allele origin: germline. Affected: yes.
Comment: Not observed at significant frequency in large population cohorts (gnomAD); Has not been previously published as pathogenic or benign to our knowledge; In silico analysis does not support a benign of deleterious effect of this variant on protein structure/function

Ambry Genetics
Classification: Uncertain significance for Inborn genetic diseases. Last evaluated: 2018-11-30. Review status: criteria provided, single submitter. Criteria: Ambry Variant Classification Scheme 2023. Collection method: clinical testing. Allele origin: germline.
Comment: The p.Q256E variant (also known as c.766C>G), located in coding exon 6 of the SHANK3 gene, results from a C to G substitution at nucleotide position 766. The glutamine at codon 256 is replaced by glutamic acid, an amino acid with highly similar properties. This amino acid position is highly conserved in available vertebrate species. In addition, this alteration is predicted to be tolerated by SIFT in silico analysis. Since supporting evidence is limited at this time, the clinical significance of this alteration remains unclear.

NM_001372044.2(SHANK3):c.991C>G (p.Gln331Glu)

Gene: SHANK3 (SH3 and multiple ankyrin repeat domains 3; plus strand). Cytogenetic location: 22q13.33.
Variant type: single nucleotide variant.
Coding change: c.991C>G on transcript NM_001372044.2 (MANE Select); coding-DNA position 991, C replaced by G.
Protein change: p.Gln331Glu; replaces glutamine 331 with glutamic acid.
Molecular consequence: missense variant.
Genome position (GRCh38, 1-based): chr22:50,679,184, C>G. VCF-style: chr22-50679184-C-G. GRCh37 (hg19) VCF-style: chr22-51117612-C-G.
Other names: c.766C>G, p.Gln256Glu (NM_033517.1); short protein forms Q256E, Q331E.
Identifiers: ClinVar variation 1760058 (VCV001760058.3), dbSNP rs2518375186, ClinGen allele CA515254176.